The following is an entry in ClinVar:

ClinVar aggregate classification (germline): Uncertain significance. Review status: criteria provided, multiple submitters, no conflicts (2 of 4 stars). 2 submissions from 2 submitters: Uncertain significance (2). Last evaluated 2024-05-28.

Conditions:
Osteopathia striata with cranial sclerosis (OSCS). Also called: HYPEROSTOSIS GENERALISATA WITH STRIATIONS. Identifiers: Orphanet 2780, MedGen C0432268, MONDO:0010310, OMIM 300373.

Allele frequency attached by ClinVar (database versions not stated): gnomAD 0.00001; TOPMed 0.00001.
gnomAD v4.1: 41 of 1,210,484 alleles (0.0034%); highest among the groups gnomAD compares: Non-Finnish European, 0.0042%; no homozygotes.

Submissions (2):

Labcorp Genetics (formerly Invitae), Labcorp
Classification: Uncertain significance. Last evaluated: 2024-05-28. Review status: criteria provided, single submitter. Criteria: Invitae Variant Classification Sherloc (09022015). Collection method: clinical testing. Allele origin: germline.
Comment: This sequence change replaces threonine, which is neutral and polar, with serine, which is neutral and polar, at codon 600 of the AMER1 protein (p.Thr600Ser). This variant is present in population databases (no rsID available, gnomAD 0.001%), including at least one homozygous and/or hemizygous individual. This variant has not been reported in the literature in individuals affected with AMER1-related conditions. ClinVar contains an entry for this variant (Variation ID: 1463930). Algorithms developed to predict the effect of missense changes on protein structure and function output the following: SIFT: "Not Available"; PolyPhen-2: "Benign"; Align-GVGD: "Not Available". The serine amino acid residue is found in multiple mammalian species, which suggests that this missense change does not adversely affect protein function. In summary, the available evidence is currently insufficient to determine the role of this variant in disease. Therefore, it has been classified as a Variant of Uncertain Significance.

Fulgent Genetics
Classification: Uncertain significance for Osteopathia striata with cranial sclerosis. Last evaluated: 2023-12-29. Review status: criteria provided, single submitter. Criteria: ACMG Guidelines, 2015. Collection method: clinical testing. Allele origin: germline.

NM_152424.4(AMER1):c.1799C>G (p.Thr600Ser)

Gene: AMER1 (APC membrane recruitment protein 1; minus strand). Cytogenetic location: Xq11.2.
Variant type: single nucleotide variant.
Coding change: c.1799C>G on transcript NM_152424.4 (MANE Select); coding-DNA position 1799, C replaced by G.
Protein change: p.Thr600Ser; replaces threonine 600 with serine.
Molecular consequence: missense variant.
Genome position (GRCh38, 1-based): chrX:64,191,488, G>C on the plus strand (C>G on the coding strand, the complement: AMER1 is on the minus strand). VCF-style: chrX-64191488-G-C. GRCh37 (hg19) VCF-style: chrX-63411368-G-C.
Other names: short protein forms T600S.
Identifiers: ClinVar variation 1463930 (VCV001463930.9), dbSNP rs779133193, ClinGen allele CA329956247.